The following is an entry in ClinVar:

ClinVar aggregate classification (germline): Uncertain significance (1 of 4 stars; one submission).

gnomAD v4.1: 27 of 1,608,456 alleles (0.0017%); highest among the groups gnomAD compares: Middle Eastern, 0.033%; no homozygotes.

Submission:

Labcorp Genetics (formerly Invitae), Labcorp
Classification: Uncertain significance. Last evaluated: 2024-12-23. Review status: criteria provided, single submitter. Criteria: Invitae Variant Classification Sherloc (09022015). Collection method: clinical testing. Allele origin: germline.
Comment: This sequence change replaces valine, which is neutral and non-polar, with leucine, which is neutral and non-polar, at codon 15 of the GFAP protein (p.Val15Leu). The frequency data for this variant in the population databases is considered unreliable, as metrics indicate poor data quality at this position in the gnomAD database. This variant has not been reported in the literature in individuals affected with GFAP-related conditions. ClinVar contains an entry for this variant (Variation ID: 2153444). Invitae Evidence Modeling of protein sequence and biophysical properties (such as structural, functional, and spatial information, amino acid conservation, physicochemical variation, residue mobility, and thermodynamic stability) indicates that this missense variant is not expected to disrupt GFAP protein function with a negative predictive value of 95%. In summary, the available evidence is currently insufficient to determine the role of this variant in disease. Therefore, it has been classified as a Variant of Uncertain Significance.

NM_002055.5(GFAP):c.43G>C (p.Val15Leu)

Gene: GFAP (glial fibrillary acidic protein; minus strand). Cytogenetic location: 17q21.31.
Variant type: single nucleotide variant.
Coding change: c.43G>C on transcript NM_002055.5 (MANE Select); coding-DNA position 43, G replaced by C.
Protein change: p.Val15Leu; replaces valine 15 with leucine.
Molecular consequence: missense variant.
Genome position (GRCh38, 1-based): chr17:44,915,444, C>G on the plus strand (G>C on the coding strand, the complement: GFAP is on the minus strand). VCF-style: chr17-44915444-C-G. GRCh37 (hg19) VCF-style: chr17-42992812-C-G.
Other names: c.43G>C, p.Val15Leu (NM_001131019.3, NM_001242376.3, NM_001363846.2); short protein forms V15L.
Identifiers: ClinVar variation 2153444 (VCV002153444.4), dbSNP rs146698039, ClinGen allele CA8609124.